The following is an entry in ClinVar:

ClinVar aggregate classification (germline): Likely benign (1 of 4 stars; one submission).

gnomAD v4.1: 611 of 1,609,110 alleles (0.038%); highest among the groups gnomAD compares: South Asian, 0.58%; 4 homozygotes.

Submission:

CeGaT Center for Human Genetics Tuebingen
Classification: Likely benign. Last evaluated: 2025-05-01. Review status: criteria provided, single submitter. Criteria: CeGaT Center For Human Genetics Tuebingen Variant Classification Criteria Version 2. Collection method: clinical testing. Allele origin: germline. Affected: yes. Observed: 1 variant allele.
Comment: HECTD4: BP4, BS2

NM_001388303.1(HECTD4):c.5998-3C>T

Gene: HECTD4 (HECT domain E3 ubiquitin protein ligase 4; minus strand). Cytogenetic location: 12q24.13.
Variant type: single nucleotide variant.
Coding change: c.5998-3C>T on transcript NM_001388303.1 (MANE Select); 3 bases into the intron before coding-DNA position 5998, C replaced by T.
Molecular consequence: intron variant.
Genome position (GRCh38, 1-based): chr12:112,231,718, G>A on the plus strand (C>T on the coding strand, the complement: HECTD4 is on the minus strand). VCF-style: chr12-112231718-G-A. GRCh37 (hg19) VCF-style: chr12-112669522-G-A.
Other names: c.6028-3C>T (NM_001109662.4).
Identifiers: ClinVar variation 3905059 (VCV003905059.10).